The following is an entry in ClinVar:

ClinVar aggregate classification (germline): Benign/Likely benign. Review status: criteria provided, multiple submitters, no conflicts (2 of 4 stars). 25 submissions from 18 submitters: Benign (20); Likely benign (2). 3 of the submissions do not count toward it. Last evaluated 2026-02-04.

Conditions:
Cardiovascular phenotype. Identifiers: MedGen CN230736.
Dilated cardiomyopathy 1G (CMD1G). Identifiers: Orphanet 154, MedGen C1858763, MONDO:0011400, OMIM 604145.
Autosomal recessive limb-girdle muscular dystrophy type 2J (LGMDR10). Also called: MUSCULAR DYSTROPHY, LIMB-GIRDLE, AUTOSOMAL RECESSIVE 10; Limb-girdle muscular dystrophy, type 2J. Identifiers: Orphanet 140922, MedGen C1837342, MONDO:0012127, OMIM 608807.
Early-onset myopathy with fatal cardiomyopathy (CMYO5). Also called: CONGENITAL MYOPATHY 5 WITH CARDIOMYOPATHY; Salih Myopathy. Identifiers: Orphanet 289377, MedGen C2673677, MONDO:0012714, OMIM 611705. Disease mechanism: loss of function.
Myopathy, myofibrillar, 9, with early respiratory failure (MFM9). Also called: Myopathy, distal, with early respiratory failure, autosomal dominant; Hereditary myopathy with early respiratory failure; MYOPATHY, PROXIMAL, WITH EARLY RESPIRATORY MUSCLE INVOLVEMENT; EDSTROM MYOPATHY. Identifiers: Orphanet 178464, Orphanet 34521, MedGen C1863599, MONDO:0011362, OMIM 603689.
Tibial muscular dystrophy (TMD). Also called: Udd Distal Myopathy – Tibial Muscular Dystrophy; Tibial muscular dystrophy, tardive; UDD MYOPATHY. Identifiers: Orphanet 609, MedGen C1838244, MONDO:0010870, OMIM 600334.

Allele frequency attached by ClinVar (database versions not stated): 1000 Genomes Project 0.07268; TOPMed 0.03838; gnomAD exomes 0.02056 and 0.03409; ESP Exome Variant Server 0.03021; ExAC 0.03465; gnomAD 0.03856 and 0.03700; 1000 Genomes Project 30x 0.07089.
gnomAD v4.1: 36,450 of 1,612,702 alleles (2.3%); highest among the groups gnomAD compares: East Asian, 14%; 980 homozygotes.

Submissions (25):

Labcorp Genetics (formerly Invitae), Labcorp
Classification: Benign for Dilated cardiomyopathy 1G; Autosomal recessive limb-girdle muscular dystrophy type 2J. Last evaluated: 2026-02-04. Review status: criteria provided, single submitter. Criteria: Invitae Variant Classification Sherloc (09022015). Collection method: clinical testing. Allele origin: germline.

Molecular Diagnostic Laboratory for Inherited Cardiovascular Disease, Montreal Heart Institute
Classification: Benign. Last evaluated: 2025-04-09. Review status: criteria provided, single submitter. Criteria: ACMG Guidelines, 2015. Collection method: clinical testing. Allele origin: germline. Affected: no.

Blueprint Genetics
Classification: Benign. Last evaluated: 2024-11-26. Review status: criteria provided, single submitter. Criteria: ACMG Guidelines, 2015. Collection method: clinical testing. Allele origin: germline.

Genome-Nilou Lab
Classification: Benign for Autosomal recessive limb-girdle muscular dystrophy type 2J. Last evaluated: 2021-09-10. Review status: criteria provided, single submitter. Criteria: ACMG Guidelines, 2015. Collection method: clinical testing. Allele origin: germline. Affected: no.

Genome-Nilou Lab
Classification: Benign for Myopathy, myofibrillar, 9, with early respiratory failure. Last evaluated: 2021-09-10. Review status: criteria provided, single submitter. Criteria: ACMG Guidelines, 2015. Collection method: clinical testing. Allele origin: germline. Affected: no.

Genome-Nilou Lab
Classification: Benign for Early-onset myopathy with fatal cardiomyopathy. Last evaluated: 2021-09-10. Review status: criteria provided, single submitter. Criteria: ACMG Guidelines, 2015. Collection method: clinical testing. Allele origin: germline. Affected: no.

Genome-Nilou Lab
Classification: Benign for Tibial muscular dystrophy. Last evaluated: 2021-09-10. Review status: criteria provided, single submitter. Criteria: ACMG Guidelines, 2015. Collection method: clinical testing. Allele origin: germline. Affected: no.

Women's Health and Genetics/Laboratory Corporation of America, LabCorp
Classification: Likely benign. Last evaluated: 2021-01-28. Review status: criteria provided, single submitter. Criteria: LabCorp Variant Classification Summary - May 2015. Collection method: clinical testing. Allele origin: germline.

Illumina Laboratory Services, Illumina
Classification: Benign for Tibial muscular dystrophy. Last evaluated: 2018-01-13. Review status: criteria provided, single submitter. Criteria: ICSL Variant Classification Criteria 13 December 2019. Collection method: clinical testing. Allele origin: germline.
Comment: This variant was observed in the ICSL laboratory as part of a predisposition screen in an ostensibly healthy population. It had not been previously curated by ICSL or reported in the Human Gene Mutation Database (HGMD: prior to June 1st, 2018), and was therefore a candidate for classification through an automated scoring system. Utilizing variant allele frequency, disease prevalence and penetrance estimates, and inheritance mode, an automated score was calculated to assess if this variant is too frequent to cause the disease. Based on the score and internal cut-off values, a variant classified as benign is not then subjected to further curation. The score for this variant resulted in a classification of benign for this disease.

Illumina Laboratory Services, Illumina
Classification: Benign for Early-onset myopathy with fatal cardiomyopathy. Last evaluated: 2018-01-13. Review status: criteria provided, single submitter. Criteria: ICSL Variant Classification Criteria 13 December 2019. Collection method: clinical testing. Allele origin: germline.
Comment: the same text as in the submission from Illumina Laboratory Services, Illumina above.

Illumina Laboratory Services, Illumina
Classification: Benign for Myopathy, myofibrillar, 9, with early respiratory failure. Last evaluated: 2018-01-13. Review status: criteria provided, single submitter. Criteria: ICSL Variant Classification Criteria 13 December 2019. Collection method: clinical testing. Allele origin: germline.
Comment: the same text as in the submission from Illumina Laboratory Services, Illumina above.

Illumina Laboratory Services, Illumina
Classification: Benign for Dilated cardiomyopathy 1G. Last evaluated: 2018-01-13. Review status: criteria provided, single submitter. Criteria: ICSL Variant Classification Criteria 13 December 2019. Collection method: clinical testing. Allele origin: germline.
Comment: the same text as in the submission from Illumina Laboratory Services, Illumina above.

Illumina Laboratory Services, Illumina
Classification: Benign for Autosomal recessive limb-girdle muscular dystrophy type 2J. Last evaluated: 2018-01-13. Review status: criteria provided, single submitter. Criteria: ICSL Variant Classification Criteria 13 December 2019. Collection method: clinical testing. Allele origin: germline.
Comment: the same text as in the submission from Illumina Laboratory Services, Illumina above.

Mayo Clinic Laboratories, Mayo Clinic
Classification: Benign. Last evaluated: 2017-08-24. Review status: criteria provided, single submitter. Criteria: ACMG Guidelines, 2015. Collection method: clinical testing. Allele origin: germline. Observed: 134 variant alleles.

Eurofins Ntd Llc (ga)
Classification: Benign. Last evaluated: 2017-08-07. Review status: criteria provided, single submitter. Criteria: EGL Classification Definitions 2015. Collection method: clinical testing. Allele origin: germline. Observed: 1 variant allele, 1 heterozygote.

Genetic Services Laboratory, University of Chicago
Classification: Benign for AllHighlyPenetrant. Last evaluated: 2013-08-15. Review status: criteria provided, single submitter. Criteria: ACMG Guidelines, 2007. Collection method: clinical testing. Allele origin: germline.

Biesecker Lab/Clinical Genomics Section, National Institutes of Health
Classification: Benign. Last evaluated: 2013-06-24. Review status: criteria provided, single submitter. Criteria: Ng et al. (Circ Cardiovasc Genet. 2013). Collection method: research. Allele origin: unknown. Observed: 32 variant alleles. Study: ClinSeq.
Comment: The study set was not selected for affection status in relation to any cancer. Pathogenicity categories were based on literature curation. See Pubmed ID:23861362 for details.

Medical sequencing

GeneDx
Classification: Benign. Last evaluated: 2012-10-18. Review status: criteria provided, single submitter. Criteria: GeneDx Variant Classification (06012015). Collection method: clinical testing. Allele origin: germline. Affected: yes.
Comment: This variant is considered likely benign or benign based on one or more of the following criteria: it is a conservative change, it occurs at a poorly conserved position in the protein, it is predicted to be benign by multiple in silico algorithms, and/or has population frequency not consistent with disease.

Ambry Genetics
Classification: Benign for Cardiovascular phenotype. Last evaluated: 2012-10-01. Review status: criteria provided, single submitter. Criteria: Ambry Autosomal Dominant and X-Linked criteria (10/2015). Collection method: clinical testing. Allele origin: germline. Observed: 1 variant allele.

Laboratory for Molecular Medicine, Mass General Brigham Personalized Medicine
Classification: Benign. Last evaluated: 2012-03-16. Review status: criteria provided, single submitter. Criteria: LMM Criteria. Collection method: clinical testing. Allele origin: germline. Observed: 105 variant alleles.
Comment: Ala14593Val in exon 221 of TTN: This variant is not expected to have clinical si gnificance because it has been identified in 6.5% (199/3068) of African American chromosomes from a broad population by the NHLBI Exome Sequencing Project (dbSNP rs16866412).

Breakthrough Genomics
Classification: Likely benign. Review status: criteria provided, single submitter. Criteria: ACMG Guidelines, 2015. Collection method: not provided. Allele origin: germline. Inheritance: Autosomal recessive inheritance. Affected: yes.

PreventionGenetics, part of Exact Sciences
Classification: Benign. Review status: criteria provided, single submitter. Criteria: ACMG Guidelines, 2015. Collection method: clinical testing. Allele origin: germline.

Clinical Genetics DNA and cytogenetics Diagnostics Lab, Erasmus MC, Erasmus Medical Center
Classification: Benign. Review status: no assertion criteria provided. Collection method: clinical testing. Allele origin: germline. Affected: yes. Study: VKGL Data-share Consensus. Not counted in ClinVar's aggregate classification.

Clinical Genetics, Academic Medical Center
Classification: Benign. Review status: no assertion criteria provided. Collection method: clinical testing. Allele origin: germline. Affected: yes. Study: VKGL Data-share Consensus. Not counted in ClinVar's aggregate classification.

Laboratory of Diagnostic Genome Analysis, Leiden University Medical Center (LUMC)
Classification: Likely benign. Review status: no assertion criteria provided. Collection method: clinical testing. Allele origin: germline. Affected: yes. Study: VKGL Data-share Consensus. Not counted in ClinVar's aggregate classification.

NM_001267550.2(TTN):c.51482C>T (p.Ala17161Val)

Genes: TTN (titin; minus strand), TTN-AS1 (TTN antisense RNA 1; plus strand). Cytogenetic location: 2q31.2.
Variant type: single nucleotide variant.
Coding change: c.51482C>T on transcript NM_001267550.2 (MANE Select); coding-DNA position 51482, C replaced by T.
Protein change: p.Ala17161Val; replaces alanine 17161 with valine.
Molecular consequence: missense variant.
Genome position (GRCh38, 1-based): chr2:178,609,941, G>A on the plus strand (C>T on the coding strand, the complement: TTN is on the minus strand). VCF-style: chr2-178609941-G-A. GRCh37 (hg19) VCF-style: chr2-179474668-G-A.
Other names: p.A14593V:GCG>GTG; c.46559C>T, p.Ala15520Val (NM_001256850.1); c.24287C>T, p.Ala8096Val (NM_003319.4); c.43778C>T, p.Ala14593Val (NM_133378.4); c.24662C>T, p.Ala8221Val (NM_133432.3); c.24863C>T, p.Ala8288Val (NM_133437.4); short protein forms A17161V, A14593V, A15520V, A8096V, A8288V, A8221V.
Identifiers: ClinVar variation 47053 (VCV000047053.39), dbSNP rs16866412, ClinGen allele CA283393.